The following is an entry in ClinVar:

NM_000448.3(RAG1):c.941G>A (p.Arg314Gln)

Gene: RAG1 (recombination activating 1; plus strand). Cytogenetic location: 11p12.
Variant type: single nucleotide variant.
Coding change: c.941G>A on transcript NM_000448.3 (MANE Select); coding-DNA position 941, G replaced by A.
Protein change: p.Arg314Gln; replaces arginine 314 with glutamine.
Molecular consequence: missense variant.
Genome position (GRCh38, 1-based): chr11:36,574,245, G>A. VCF-style: chr11-36574245-G-A. GRCh37 (hg19) VCF-style: chr11-36595795-G-A.
Other names: c.941G>A, p.Arg314Gln (NM_001377277.1, NM_001377278.1, NM_001377279.1 and 1 more transcripts); short protein forms R314Q.
Identifiers: ClinVar variation 2166765 (VCV002166765.1), dbSNP rs1206270386, ClinGen allele CA380150748.
Genomic context (GRCh38, chr11:36,574,245, plus strand): 5'-AGATCTGTGAACACATTCTGGCTGACCCTGTGGAGACCAACTGTAAGCATGTCTTTTGCC[G>A]GGTCTGCATTCTCAGATGCCTCAAAGTCATGGGCAGCTATTGTCCCTCTTGCCGATATCC-3'
Protein context (NP_000439.2, residues 304-324): VETNCKHVFC[Arg314Gln]VCILRCLKVM

ClinVar aggregate classification (germline): Uncertain significance (1 of 4 stars; one submission).

Conditions:
Severe combined immunodeficiency, autosomal recessive, T cell-negative, B cell-negative, NK cell-positive. Also called: SCID, T CELL-NEGATIVE, B CELL-NEGATIVE, NK CELL-POSITIVE; SCID, AR, T-cell negative, B-cell negative, NK cell-positive; Severe combined immunodeficiency due to complete RAG1/2 deficiency. Identifiers: Orphanet 331206, MedGen C1832322, MONDO:0011086, OMIM 601457.
Combined immunodeficiency with skin granulomas. Identifiers: Orphanet 157949, MedGen C2673536, MONDO:0009306, OMIM 233650.

Allele frequency attached by ClinVar (database versions not stated): gnomAD 0.00001; gnomAD exomes 0.00001; TOPMed 0.00002.
gnomAD v4.1: 18 of 1,614,012 alleles (0.0011%); highest among the groups gnomAD compares: African/African-American, 0.004%; no homozygotes.

Submission:

Labcorp Genetics (formerly Invitae), Labcorp
Classification: Uncertain significance for Combined immunodeficiency with skin granulomas; Severe combined immunodeficiency, autosomal recessive, T cell-negative, B cell-negative, NK cell-positive. Last evaluated: 2022-06-14. Review status: criteria provided, single submitter. Criteria: Invitae Variant Classification Sherloc (09022015). Collection method: clinical testing. Allele origin: germline.
Comment: This sequence change replaces arginine, which is basic and polar, with glutamine, which is neutral and polar, at codon 314 of the RAG1 protein (p.Arg314Gln). This variant is not present in population databases (gnomAD no frequency). This variant has not been reported in the literature in individuals affected with RAG1-related conditions. Advanced modeling of protein sequence and biophysical properties (such as structural, functional, and spatial information, amino acid conservation, physicochemical variation, residue mobility, and thermodynamic stability) performed at Invitae indicates that this missense variant is expected to disrupt RAG1 protein function. In summary, the available evidence is currently insufficient to determine the role of this variant in disease. Therefore, it has been classified as a Variant of Uncertain Significance.